The following is an entry in ClinVar:

ClinVar aggregate classification (germline): Uncertain significance (1 of 4 stars; one submission).

Conditions:
Inborn genetic diseases. Identifiers: MedGen C0950123, MeSH D030342.

Submission:

Ambry Genetics
Classification: Uncertain significance for Inborn genetic diseases. Last evaluated: 2025-10-20. Review status: criteria provided, single submitter. Criteria: Ambry Variant Classification Scheme 2023. Collection method: clinical testing. Allele origin: germline.
Comment: The c.3534_3535insGGCAGCAGCAGCAGCAGCAGC (p.S1178_S1179insGSSSSSS) alteration is located in exon 4 (coding exon 4) of the PCDH12 gene. The alteration consists of an in-frame insertion of 21 nucleotides between nucleotide positions c.3534 and c.3535, resulting in the insertion of 1 residue. Based on data from gnomAD, the GGCAGCAGCAGCAGCAGCAGC allele has an overall frequency of 0.005% (15/278776) total alleles studied. The highest observed frequency was 0.011% (14/126758) of European (non-Finnish) alleles. Based on insufficient or conflicting evidence, the clinical significance of this alteration remains unclear.

NM_016580.4(PCDH12):c.3527_3534GCA[2]GCGGCAGCAGCAGCAGCAGCAGC[1] (p.Ser1178_Ser1179insGlySerSerSerSerSerSer)

Gene: PCDH12 (protocadherin 12; minus strand). Cytogenetic location: 5q31.3.
Variant type: Microsatellite.
Coding change: c.3527_3534GCA[2]GCGGCAGCAGCAGCAGCAGCAGC[1] on transcript NM_016580.4 (MANE Select).
Protein change: p.Ser1178_Ser1179insGlySerSerSerSerSerSer.
Molecular consequence: inframe insertion.
Genome position: GRCh38 VCF-style: chr5-141945401-T-TGCTGCTGCTGCTGCTGCTGCC. GRCh37 (hg19) VCF-style: chr5-141324966-T-TGCTGCTGCTGCTGCTGCTGCC.
Identifiers: ClinVar variation 4627025 (VCV004627025.1).
Genomic context (GRCh38, chr5:141,945,401, plus strand): 5'-AGGCCCCTGGTTCTTGGATCCAGAGGCGTCTGAGGTATGTTCACAGGCACCTGCTGCTGC[T>TGCTGCTGCTGCTGCTGCTGCC]GCTGCTGCCTCTGCTCTTGCCCTCAGTCCCCGTCTTTCCACCTGGGTCCCCTTGCACTTT-3'